The following is an entry in ClinVar:

ClinVar aggregate classification (germline): Likely pathogenic (1 of 4 stars; one submission).

Submission:

Labcorp Genetics (formerly Invitae), Labcorp
Classification: Likely pathogenic. Last evaluated: 2023-11-02. Review status: criteria provided, single submitter. Criteria: Invitae Variant Classification Sherloc (09022015). Collection method: clinical testing. Allele origin: germline.
Comment: This sequence change replaces arginine, which is basic and polar, with glycine, which is neutral and non-polar, at codon 45 of the BCS1L protein (p.Arg45Gly). This variant is present in population databases (rs121908575, gnomAD 0.01%). This variant has not been reported in the literature in individuals affected with BCS1L-related conditions. Advanced modeling of protein sequence and biophysical properties (such as structural, functional, and spatial information, amino acid conservation, physicochemical variation, residue mobility, and thermodynamic stability) performed at Invitae indicates that this missense variant is expected to disrupt BCS1L protein function with a positive predictive value of 95%. This variant disrupts the p.Arg45 amino acid residue in BCS1L. Other variant(s) that disrupt this residue have been determined to be pathogenic (PMID: 28322498). This suggests that this residue is clinically significant, and that variants that disrupt this residue are likely to be disease-causing. In summary, the currently available evidence indicates that the variant is pathogenic, but additional data are needed to prove that conclusively. Therefore, this variant has been classified as Likely Pathogenic.

Literature cited by the submitters: PubMed 28322498.

NM_001079866.2(BCS1L):c.133C>G (p.Arg45Gly)

Gene: BCS1L (BCS1 ubiquinol-cytochrome c reductase complex chaperone; plus strand). Cytogenetic location: 2q35.
Variant type: single nucleotide variant.
Coding change: c.133C>G on transcript NM_001079866.2 (MANE Select); coding-DNA position 133, C replaced by G.
Protein change: p.Arg45Gly; replaces arginine 45 with glycine.
Molecular consequence: missense variant. On other transcripts: 5 prime UTR variant (5), non-coding transcript variant (1), intron variant (3).
Genome position (GRCh38, 1-based): chr2:218,661,120, C>G. VCF-style: chr2-218661120-C-G. GRCh37 (hg19) VCF-style: chr2-219525843-C-G.
Other names: c.133C>G, p.Arg45Gly (NM_001257342.2, NM_001257343.2, NM_001257344.2 and 10 more transcripts); c.-344C>G (NM_001371453.1, NM_001371454.1, NM_001371455.1 and 2 more transcripts); c.-40-286C>G (NM_001371451.1, NM_001318836.2); c.-41-639C>G (NM_001371452.1); short protein forms R45G.
Identifiers: ClinVar variation 2692639 (VCV002692639.3), dbSNP rs121908575, ClinGen allele CA2109609.